The following is an entry in ClinVar:

NM_015662.3(IFT172):c.580G>A (p.Val194Ile)

Gene: IFT172 (intraflagellar transport 172; minus strand). Cytogenetic location: 2p23.3.
Variant type: single nucleotide variant.
Coding change: c.580G>A on transcript NM_015662.3 (MANE Select); coding-DNA position 580, G replaced by A.
Protein change: p.Val194Ile; replaces valine 194 with isoleucine.
Molecular consequence: missense variant.
Genome position (GRCh38, 1-based): chr2:27,481,251, C>T on the plus strand (G>A on the coding strand, the complement: IFT172 is on the minus strand). VCF-style: chr2-27481251-C-T. GRCh37 (hg19) VCF-style: chr2-27704118-C-T.
Other names: c.580G>A, p.Val194Ile (NM_001410739.1); short protein forms V194I.
Identifiers: ClinVar variation 3345383 (VCV003345383.1).

ClinVar aggregate classification (germline): Uncertain significance (0 of 4 stars; one submission).

Conditions:
IFT172-related disorder. Also called: IFT172-related condition; IFT172-related disorders.

Submission:

PreventionGenetics, part of Exact Sciences
Classification: Uncertain significance for IFT172-related condition. Last evaluated: 2024-05-10. Review status: no assertion criteria provided. Collection method: clinical testing. Allele origin: germline.
Comment: The IFT172 c.580G>A variant is predicted to result in the amino acid substitution p.Val194Ile. To our knowledge, this variant has not been reported in the literature or in a large population database, indicating this variant is rare. At this time, the clinical significance of this variant is uncertain due to the absence of conclusive functional and genetic evidence.